The following is an entry in ClinVar:

NM_001042492.3(NF1):c.5753A>G (p.Asn1918Ser)

Gene: NF1 (neurofibromin 1; plus strand). Cytogenetic location: 17q11.2.
Variant type: single nucleotide variant.
Coding change: c.5753A>G on transcript NM_001042492.3 (MANE Select); coding-DNA position 5753, A replaced by G.
Protein change: p.Asn1918Ser; replaces asparagine 1918 with serine.
Molecular consequence: missense variant.
Genome position (GRCh38, 1-based): chr17:31,330,439, A>G. VCF-style: chr17-31330439-A-G. GRCh37 (hg19) VCF-style: chr17-29657457-A-G.
Other names: c.5690A>G, p.Asn1897Ser (NM_000267.4); short protein forms N1897S, N1918S.
Identifiers: ClinVar variation 186792 (VCV000186792.9), dbSNP rs534249104, ClinGen allele CA195880.
Genomic context (GRCh38, chr17:31,330,439, plus strand): 5'-TATGTATCCCTGCCAACAACACCCTCTTTATTGTCTCTATTAGTAAGACACTGGCAGCCA[A>G]TGAGCCACACCTCACGTTAGAATTTTTGGAAGAGTGTATTTCTGGATTTAGCAAATCTAG-3'
Protein context (NP_001035957.1, residues 1908-1928): IVSISKTLAA[Asn1918Ser]EPHLTLEFLE

ClinVar aggregate classification (germline): Conflicting classifications of pathogenicity. Review status: criteria provided, conflicting classifications (1 of 4 stars). 4 submissions from 3 submitters: Uncertain significance (3); Likely benign (1). Last evaluated 2025-05-05.

Conditions:
Hereditary cancer-predisposing syndrome. Also called: Hereditary Cancer Syndrome; Neoplastic Syndromes, Hereditary; Tumor predisposition; Hereditary neoplastic syndrome. Identifiers: Orphanet 140162, MedGen C0027672, MeSH D009386, MONDO:0015356.
Cardiovascular phenotype. Identifiers: MedGen CN230736.
Neurofibromatosis, type 1 (NF1). Also called: NEUROFIBROMATOSIS, TYPE I, SOMATIC; VON RECKLINGHAUSEN DISEASE; Peripheral type neurofibromatosis; Neurofibromatosis, type I. Identifiers: Orphanet 636, MedGen C0027831, MONDO:0018975, OMIM 162200. Disease mechanism: loss of function.

Allele frequency attached by ClinVar (database versions not stated): gnomAD exomes below 0.00001; TOPMed below 0.00001; gnomAD 0.00001.
gnomAD v4.1: 4 of 1,613,904 alleles (0.00025%); highest among the groups gnomAD compares: Non-Finnish European, 0.00034%; no homozygotes.

Submissions (4):

Labcorp Genetics (formerly Invitae), Labcorp
Classification: Likely benign for Neurofibromatosis, type 1. Last evaluated: 2025-05-05. Review status: criteria provided, single submitter. Criteria: Invitae Variant Classification Sherloc (09022015). Collection method: clinical testing. Allele origin: germline.

Ambry Genetics
Classification: Uncertain significance for Cardiovascular phenotype; Hereditary cancer-predisposing syndrome. Last evaluated: 2022-04-14. Review status: criteria provided, single submitter. Criteria: Ambry Variant Classification Scheme 2023. Collection method: clinical testing. Allele origin: germline.

Genome-Nilou Lab
Classification: Uncertain significance for Neurofibromatosis, type 1. Last evaluated: 2022-03-15. Review status: criteria provided, single submitter. Criteria: ACMG Guidelines, 2015. Collection method: clinical testing. Allele origin: germline. Affected: no.

Ambry Genetics
Classification: Uncertain significance for Hereditary cancer-predisposing syndrome. Last evaluated: 2014-10-23. Review status: criteria provided, single submitter. Criteria: Ambry Autosomal Dominant and X-Linked criteria (10/2015). Collection method: clinical testing. Allele origin: germline. Observed: 1 variant allele.
Comment: The p.N1918S variant (also known as c.5753A>G), located in coding exon 39 of the NF1 gene, results from an A to G substitution at nucleotide position 5753. The asparagine at codon 1918 is replaced by serine, an amino acid with highly similar properties. This variant was not reported in population based cohorts in the following databases: Database of Single Nucleotide Polymorphisms (dbSNP), NHLBI Exome Sequencing Project (ESP), and 1000 Genomes Project. In the ESP, this variant was not observed in 6503 samples (13006 alleles) with coverage at this position. To date, this alteration has been detected with an allele frequency of approximately 0.01% (greater than 11,000 alleles tested) in our clinical cohort. This amino acid position is highly conserved in available vertebrate species. In addition, the in silico prediction for this alteration is inconclusive. Since supporting evidence is limited at this time, the clinical significance of p.N1918S remains unclear.